The following is an entry in ClinVar:

ClinVar aggregate classification (germline): Uncertain significance. Review status: criteria provided, multiple submitters, no conflicts (2 of 4 stars). 2 submissions from 2 submitters: Uncertain significance (2). Last evaluated 2025-09-26.

Allele frequency attached by ClinVar (database versions not stated): ExAC 0.00001; gnomAD exomes 0.00002; TOPMed 0.00002; gnomAD 0.00004 and 0.00005; 1000 Genomes Project 30x 0.00016; 1000 Genomes Project 0.00020.
gnomAD v4.1: 31 of 1,613,294 alleles (0.0019%); highest among the groups gnomAD compares: East Asian, 0.025%; no homozygotes.

Submissions (2):

Ambry Genetics
Classification: Uncertain significance. Last evaluated: 2025-09-26. Review status: criteria provided, single submitter. Criteria: Ambry Variant Classification Scheme 2023. Collection method: clinical testing. Allele origin: germline.

Labcorp Genetics (formerly Invitae), Labcorp
Classification: Uncertain significance. Last evaluated: 2024-06-08. Review status: criteria provided, single submitter. Criteria: Invitae Variant Classification Sherloc (09022015). Collection method: clinical testing. Allele origin: germline.
Comment: This sequence change replaces arginine, which is basic and polar, with histidine, which is basic and polar, at codon 1366 of the MYH7B protein (p.Arg1366His). This variant is present in population databases (rs531074742, gnomAD 0.006%). This variant has not been reported in the literature in individuals affected with MYH7B-related conditions. ClinVar contains an entry for this variant (Variation ID: 1432600). An algorithm developed to predict the effect of missense changes on protein structure and function (PolyPhen-2) suggests that this variant is likely to be disruptive. In summary, the available evidence is currently insufficient to determine the role of this variant in disease. Therefore, it has been classified as a Variant of Uncertain Significance.

NM_020884.7(MYH7B):c.3971G>A (p.Arg1324His)

Gene: MYH7B (myosin heavy chain 7B; plus strand). Cytogenetic location: 20q11.22.
Variant type: single nucleotide variant.
Coding change: c.3971G>A on transcript NM_020884.7 (MANE Select); coding-DNA position 3971, G replaced by A.
Protein change: p.Arg1324His; replaces arginine 1324 with histidine.
Molecular consequence: missense variant.
Genome position (GRCh38, 1-based): chr20:34,998,607, G>A. VCF-style: chr20-34998607-G-A. GRCh37 (hg19) VCF-style: chr20-33586410-G-A.
Other names: c.4097G>A (NM_020884.3); short protein forms R1324H.
Identifiers: ClinVar variation 1432600 (VCV001432600.9), dbSNP rs531074742, ClinGen allele CA9827939.
Genomic context (GRCh38, chr20:34,998,607, plus strand): 5'-TGATCAGTCAGCTGAGCCGTGGAAAGGCCCTGGCCGCCCAAAGCCTGGAAGAGTTGCGGC[G>A]CCAGCTAGAGGAGGAAAGCAAGGTGGGCTGGCACCGGTGACCATGGAGTGGGCAGGTGGG-3'
Protein context (NP_065935.4, residues 1314-1334): LAAQSLEELR[Arg1324His]QLEEESKAKS